The following is an entry in ClinVar:

NM_000400.4(ERCC2):c.250A>G (p.Ile84Val)

Gene: ERCC2 (ERCC excision repair 2, TFIIH core complex helicase subunit; minus strand). Cytogenetic location: 19q13.32.
Variant type: single nucleotide variant.
Coding change: c.250A>G on transcript NM_000400.4 (MANE Select); coding-DNA position 250, A replaced by G.
Protein change: p.Ile84Val; replaces isoleucine 84 with valine.
Molecular consequence: missense variant.
Genome position (GRCh38, 1-based): chr19:45,368,740, T>C on the plus strand (A>G on the coding strand, the complement: ERCC2 is on the minus strand). VCF-style: chr19-45368740-T-C. GRCh37 (hg19) VCF-style: chr19-45871998-T-C.
Other names: c.178A>G, p.Ile60Val (NM_001130867.2); short protein forms I84V, I60V.
Identifiers: ClinVar variation 1519625 (VCV001519625.5), dbSNP rs1254013195, ClinGen allele CA406378878.
Genomic context (GRCh38, chr19:45,368,740, plus strand): 5'-ACGGCAGCTTCTCGCCCTCCTGCTTCTCATAGAAGTTGAGCAACTTTCGAAGCTCTTCAA[T>C]CACCTACTCCAAAGTTGGGGGGCAGGGGGAGCTTGTGCTCATTGGAGGCACAAACCCCTG-3'
Protein context (NP_000391.1, residues 74-94): SRTVPEIEKV[Ile84Val]EELRKLLNFY

ClinVar aggregate classification (germline): Uncertain significance (1 of 4 stars; one submission).

Allele frequency attached by ClinVar (database versions not stated): gnomAD exomes 0.00001.
gnomAD v4.1: 14 of 1,611,472 alleles (0.00087%); highest among the groups gnomAD compares: East Asian, 0.0022%; no homozygotes.

Submission:

Labcorp Genetics (formerly Invitae), Labcorp
Classification: Uncertain significance. Last evaluated: 2024-06-07. Review status: criteria provided, single submitter. Criteria: Invitae Variant Classification Sherloc (09022015). Collection method: clinical testing. Allele origin: germline.
Comment: This sequence change replaces isoleucine, which is neutral and non-polar, with valine, which is neutral and non-polar, at codon 84 of the ERCC2 protein (p.Ile84Val). This variant is present in population databases (no rsID available, gnomAD 0.006%). This variant has not been reported in the literature in individuals affected with ERCC2-related conditions. ClinVar contains an entry for this variant (Variation ID: 1519625). Advanced modeling of protein sequence and biophysical properties (such as structural, functional, and spatial information, amino acid conservation, physicochemical variation, residue mobility, and thermodynamic stability) performed at Invitae indicates that this missense variant is not expected to disrupt ERCC2 protein function with a negative predictive value of 80%. In summary, the available evidence is currently insufficient to determine the role of this variant in disease. Therefore, it has been classified as a Variant of Uncertain Significance.